The following is an entry in ClinVar:

ClinVar aggregate classification (germline): Uncertain significance. Review status: criteria provided, multiple submitters, no conflicts (2 of 4 stars). 3 submissions from 3 submitters: Uncertain significance (2). 1 of the submissions does not count toward it. Last evaluated 2022-06-27.

Conditions:
Usher syndrome type 1 (USH1). Also called: RETINITIS PIGMENTOSA AND CONGENITAL DEAFNESS. Identifiers: Orphanet 231169, Orphanet 886, MedGen C1568247, MONDO:0010168, OMIM 276900.

Allele frequency attached by ClinVar (database versions not stated): gnomAD exomes 0.00001 and 0.00003; TOPMed 0.00001; ExAC 0.00007.
gnomAD v4.1: 19 of 1,612,398 alleles (0.0012%); highest among the groups gnomAD compares: Admixed American, 0.005%; no homozygotes.

Submissions (3):

GeneDx
Classification: Uncertain significance. Last evaluated: 2022-06-27. Review status: criteria provided, single submitter. Criteria: GeneDx Variant Classification Process June 2021. Collection method: clinical testing. Allele origin: germline. Affected: yes.
Comment: In silico analysis supports that this missense variant does not alter protein structure/function; Has not been previously published as pathogenic or benign to our knowledge

Labcorp Genetics (formerly Invitae), Labcorp
Classification: Uncertain significance. Last evaluated: 2021-10-13. Review status: criteria provided, single submitter. Criteria: Invitae Variant Classification Sherloc (09022015). Collection method: clinical testing. Allele origin: germline.
Comment: This sequence change replaces arginine with histidine at codon 3269 of the CDH23 protein (p.Arg3269His). The arginine residue is moderately conserved and there is a small physicochemical difference between arginine and histidine. This variant is present in population databases (rs747409066, ExAC 0.02%). This variant has not been reported in the literature in individuals with CDH23-related conditions. In summary, the available evidence is currently insufficient to determine the role of this variant in disease. Therefore, it has been classified as a Variant of Uncertain Significance.

Natera, Inc.
Classification: Uncertain significance for Usher syndrome type 1. Last evaluated: 2020-04-17. Review status: no assertion criteria provided. Collection method: clinical testing. Allele origin: germline. Not counted in ClinVar's aggregate classification.

NM_022124.6(CDH23):c.9806G>A (p.Arg3269His)

Gene: CDH23 (cadherin related 23; plus strand). Cytogenetic location: 10q22.1.
Variant type: single nucleotide variant.
Coding change: c.9806G>A on transcript NM_022124.6 (MANE Select); coding-DNA position 9806, G replaced by A.
Protein change: p.Arg3269His; replaces arginine 3269 with histidine.
Molecular consequence: missense variant.
Genome position (GRCh38, 1-based): chr10:71,815,019, G>A. VCF-style: chr10-71815019-G-A. GRCh37 (hg19) VCF-style: chr10-73574776-G-A.
Other names: c.9806G>A (NM_022124.5); c.3086G>A, p.Arg1029His (NM_001171933.1); c.2981G>A, p.Arg994His (NM_001171934.1); c.497G>A, p.Arg166His (NM_001171935.1); c.392G>A, p.Arg131His (NM_001171936.1); short protein forms R1029H, R131H, R166H, R3269H, R994H.
Identifiers: ClinVar variation 990966 (VCV000990966.5), dbSNP rs747409066, ClinGen allele CA5547181.
Genomic context (GRCh38, chr10:71,815,019, plus strand): 5'-AGACTGAGCTGGACGAGGAGCCAGGAGACCACAGCCCAGGGCAGGGTAGCCTGCGCTTCC[G>A]CCACAAGCCACCAGTGGAGCTCAAGGGGCCCGATGGGATCCATGTGGTGCACGGCAGCAC-3'
Protein context (NP_071407.4, residues 3259-3279): HSPGQGSLRF[Arg3269His]HKPPVELKGP